The following is an entry in ClinVar:

ClinVar aggregate classification (germline): Conflicting classifications of pathogenicity. Review status: criteria provided, conflicting classifications (1 of 4 stars). 3 submissions from 3 submitters: Uncertain significance (2); Benign (1). Last evaluated 2026-06-09.

Conditions:
Alagille syndrome due to a JAG1 point mutation. Also called: HEPATIC DUCTULAR HYPOPLASIA, SYNDROMATIC; JAG1-Related Alagille Syndrome; Alagille Syndrome 1. Identifiers: Orphanet 261619, Orphanet 52, MedGen C1956125, MONDO:0016862, OMIM 118450.
Cardiovascular phenotype. Identifiers: MedGen CN230736.

Allele frequency attached by ClinVar (database versions not stated): gnomAD exomes 0.00001.

Submissions (3):

Ambry Genetics
Classification: Uncertain significance for Cardiovascular phenotype. Last evaluated: 2026-06-09. Review status: criteria provided, single submitter. Criteria: Ambry Variant Classification Scheme 2023. Collection method: clinical testing. Allele origin: germline.
Comment: The p.R472C variant (also known as c.1414C>T), located in coding exon 12 of the JAG1 gene, results from a C to T substitution at nucleotide position 1414. The arginine at codon 472 is replaced by cysteine, an amino acid with highly dissimilar properties. This amino acid position is conserved. In addition, this alteration is predicted to be deleterious by in silico analysis. Based on the available evidence, the clinical significance of this variant remains unclear.

Labcorp Genetics (formerly Invitae), Labcorp
Classification: Benign for Alagille syndrome due to a JAG1 point mutation. Last evaluated: 2023-08-28. Review status: criteria provided, single submitter. Criteria: Invitae Variant Classification Sherloc (09022015). Collection method: clinical testing. Allele origin: germline.

Blueprint Genetics
Classification: Uncertain significance. Last evaluated: 2021-08-12. Review status: criteria provided, single submitter. Criteria: ACMG Guidelines, 2015. Collection method: clinical testing. Allele origin: germline.

NM_000214.3(JAG1):c.1414C>T (p.Arg472Cys)

Gene: JAG1 (jagged canonical Notch ligand 1; minus strand). Cytogenetic location: 20p12.2.
Variant type: single nucleotide variant.
Coding change: c.1414C>T on transcript NM_000214.3 (MANE Select); coding-DNA position 1414, C replaced by T.
Protein change: p.Arg472Cys; replaces arginine 472 with cysteine.
Molecular consequence: missense variant.
Genome position (GRCh38, 1-based): chr20:10,648,704, G>A on the plus strand (C>T on the coding strand, the complement: JAG1 is on the minus strand). VCF-style: chr20-10648704-G-A. GRCh37 (hg19) VCF-style: chr20-10629352-G-A.
Other names: c.1414C>T (NM_000214.2); short protein forms R472C.
Identifiers: ClinVar variation 2144066 (VCV002144066.7), dbSNP rs1346269262, ClinGen allele CA408237907.